The following is an entry in ClinVar:

NM_001286445.3(RIPOR2):c.1540A>G (p.Asn514Asp)

Gene: RIPOR2 (RHO family interacting cell polarization regulator 2; minus strand). Cytogenetic location: 6p22.3.
Variant type: single nucleotide variant.
Coding change: c.1540A>G on transcript NM_001286445.3 (MANE Select); coding-DNA position 1540, A replaced by G.
Protein change: p.Asn514Asp; replaces asparagine 514 with aspartic acid.
Molecular consequence: missense variant.
Genome position (GRCh38, 1-based): chr6:24,843,179, T>C on the plus strand (A>G on the coding strand, the complement: RIPOR2 is on the minus strand). VCF-style: chr6-24843179-T-C. GRCh37 (hg19) VCF-style: chr6-24843407-T-C.
Other names: c.1603A>G (NM_014722.3); c.1555A>G, p.Asn519Asp (NM_001286446.3); c.1453A>G, p.Asn485Asp (NM_001286447.2, NM_001346031.2, NM_001346032.2 and 1 more transcripts); c.1603A>G, p.Asn535Asp (NM_014722.5); short protein forms N485D, N514D, N519D, N535D.
Identifiers: ClinVar variation 3154615 (VCV003154615.5), dbSNP rs748776102, ClinGen allele CA3659238.

ClinVar aggregate classification (germline): Uncertain significance. Review status: criteria provided, multiple submitters, no conflicts (2 of 4 stars). 3 submissions from 3 submitters: Uncertain significance (3). Last evaluated 2025-04-04.

Allele frequency attached by ClinVar (database versions not stated): gnomAD exomes 0.00001; ExAC 0.00002.
gnomAD v4.1: 18 of 1,613,784 alleles (0.0011%); highest among the groups gnomAD compares: Non-Finnish European, 0.0014%; no homozygotes.

Submissions (3):

Ambry Genetics
Classification: Uncertain significance. Last evaluated: 2025-04-04. Review status: criteria provided, single submitter. Criteria: Ambry Variant Classification Scheme 2023. Collection method: clinical testing. Allele origin: germline.

Labcorp Genetics (formerly Invitae), Labcorp
Classification: Uncertain significance. Last evaluated: 2024-12-18. Review status: criteria provided, single submitter. Criteria: Invitae Variant Classification Sherloc (09022015). Collection method: clinical testing. Allele origin: germline.
Comment: This sequence change replaces asparagine, which is neutral and polar, with aspartic acid, which is acidic and polar, at codon 535 of the FAM65B protein (p.Asn535Asp). This variant is present in population databases (rs748776102, gnomAD 0.003%). This variant has not been reported in the literature in individuals affected with FAM65B-related conditions. ClinVar contains an entry for this variant (Variation ID: 3154615). An algorithm developed to predict the effect of missense changes on protein structure and function outputs the following: PolyPhen-2: "Benign". The aspartic acid amino acid residue is found in multiple mammalian species, which suggests that this missense change does not adversely affect protein function. In summary, the available evidence is currently insufficient to determine the role of this variant in disease. Therefore, it has been classified as a Variant of Uncertain Significance.

GeneDx
Classification: Uncertain significance. Last evaluated: 2024-07-03. Review status: criteria provided, single submitter. Criteria: GeneDx Variant Classification Process June 2021. Collection method: clinical testing. Allele origin: germline. Affected: yes.
Comment: Not observed at significant frequency in large population cohorts (gnomAD); In silico analysis indicates that this missense variant does not alter protein structure/function; Has not been previously published as pathogenic or benign to our knowledge; Variants in candidate genes are classified as variants of uncertain significance in accordance with ACMG guidelines (PMID: 25741868)